The following is an entry in ClinVar:

ClinVar aggregate classification (germline): Likely benign (1 of 4 stars; one submission).

Conditions:
Arrhythmogenic cardiomyopathy with wooly hair and keratoderma. Also called: PALMOPLANTAR KERATODERMA WITH LEFT VENTRICULAR CARDIOMYOPATHY AND WOOLLY HAIR; Carvajal syndrome; Dilated cardiomyopathy with woolly hair and keratoderma; Arrhythmogenic cardiomyopathy with woolly hair and keratoderma. Identifiers: Orphanet 65282, MedGen C1854063, MONDO:0011581, OMIM 605676.

Allele frequency attached by ClinVar (database versions not stated): gnomAD exomes below 0.00001.
gnomAD v4.1: 2 of 1,613,916 alleles (0.00012%); highest among the groups gnomAD compares: Non-Finnish European, 0.00017%; no homozygotes.

Submission:

All of Us Research Program, National Institutes of Health
Classification: Likely benign for Arrhythmogenic cardiomyopathy with wooly hair and keratoderma. Last evaluated: 2024-04-16. Review status: criteria provided, single submitter. Criteria: ACMG Guidelines, 2015. Collection method: clinical testing. Allele origin: germline. Inheritance: Autosomal dominant inheritance. Observed: 3 variant alleles, 3 heterozygotes.
Comment: This study involves interpretation of variants in research participants for the purpose of population health screening. Participant phenotype was not available at the time of variant classification. Additional details can be found in publication PMID: 35346344, PMCID: PMC8962531

NM_004415.4(DSP):c.513C>A (p.Gly171=)

Gene: DSP (desmoplakin; plus strand). Cytogenetic location: 6p24.3.
Variant type: single nucleotide variant.
Coding change: c.513C>A on transcript NM_004415.4 (MANE Select); coding-DNA position 513, C replaced by A.
Protein change: p.Gly171=; no amino-acid change (glycine 171 retained).
Molecular consequence: synonymous variant.
Genome position (GRCh38, 1-based): chr6:7,559,316, C>A. VCF-style: chr6-7559316-C-A. GRCh37 (hg19) VCF-style: chr6-7559549-C-A.
Other names: c.513C>A, p.Gly171= (NM_001008844.3, NM_001319034.2, NM_001406591.1).
Identifiers: ClinVar variation 3071321 (VCV003071321.2), dbSNP rs898065614, ClinGen allele CA133951185.